The following is an entry in ClinVar:

NM_022124.6(CDH23):c.8384G>A (p.Arg2795Gln)

Gene: CDH23 (cadherin related 23; plus strand). Cytogenetic location: 10q22.1.
Variant type: single nucleotide variant.
Coding change: c.8384G>A on transcript NM_022124.6 (MANE Select); coding-DNA position 8384, G replaced by A.
Protein change: p.Arg2795Gln; replaces arginine 2795 with glutamine.
Molecular consequence: missense variant.
Genome position (GRCh38, 1-based): chr10:71,807,591, G>A. VCF-style: chr10-71807591-G-A. GRCh37 (hg19) VCF-style: chr10-73567348-G-A.
Other names: c.8384G>A (NM_022124.5); c.1664G>A, p.Arg555Gln (NM_001171933.1, NM_001171934.1); short protein forms R2795Q, R555Q.
Identifiers: ClinVar variation 1011406 (VCV001011406.4), dbSNP rs776710271, ClinGen allele CA5546640.

ClinVar aggregate classification (germline): Uncertain significance. Review status: criteria provided, multiple submitters, no conflicts (2 of 4 stars). 3 submissions from 3 submitters: Uncertain significance (2). 1 of the submissions does not count toward it. Last evaluated 2026-08-09.

Conditions:
CDH23-related disorder. Also called: CDH23-related disorders; CDH23-related condition.
Usher syndrome type 1 (USH1). Also called: RETINITIS PIGMENTOSA AND CONGENITAL DEAFNESS. Identifiers: Orphanet 231169, Orphanet 886, MedGen C1568247, MONDO:0010168, OMIM 276900.

Allele frequency attached by ClinVar (database versions not stated): gnomAD 0.00002; TOPMed 0.00002; gnomAD exomes 0.00003; ExAC 0.00006.
gnomAD v4.1: 14 of 1,613,876 alleles (0.00087%); highest among the groups gnomAD compares: Admixed American, 0.0033%; no homozygotes.

Submissions (3):

PreventionGenetics, part of Exact Sciences
Classification: Uncertain significance for CDH23-related condition. Last evaluated: 2026-08-09. Review status: criteria provided, single submitter. Criteria: ACMG Guidelines, 2015. Collection method: clinical testing. Allele origin: germline.
Comment: The CDH23 c.8384G>A variant is predicted to result in the amino acid substitution p.Arg2795Gln. To our knowledge, this variant has not been reported in the literature. This variant is reported in 0.0044% of alleles in individuals of European (Non-Finnish) descent in gnomAD. At this time, the clinical significance of this variant is uncertain due to the absence of conclusive functional and genetic evidence.

Labcorp Genetics (formerly Invitae), Labcorp
Classification: Uncertain significance. Last evaluated: 2022-08-12. Review status: criteria provided, single submitter. Criteria: Invitae Variant Classification Sherloc (09022015). Collection method: clinical testing. Allele origin: germline.
Comment: This sequence change replaces arginine, which is basic and polar, with glutamine, which is neutral and polar, at codon 2795 of the CDH23 protein (p.Arg2795Gln). This variant is present in population databases (rs776710271, gnomAD 0.004%). This variant has not been reported in the literature in individuals affected with CDH23-related conditions. ClinVar contains an entry for this variant (Variation ID: 1011406). Algorithms developed to predict the effect of missense changes on protein structure and function output the following: SIFT: "Tolerated"; PolyPhen-2: "Not Available"; Align-GVGD: "Class C0". The glutamine amino acid residue is found in multiple mammalian species, which suggests that this missense change does not adversely affect protein function. In summary, the available evidence is currently insufficient to determine the role of this variant in disease. Therefore, it has been classified as a Variant of Uncertain Significance.

Natera, Inc.
Classification: Uncertain significance for Usher syndrome type 1. Last evaluated: 2020-05-18. Review status: no assertion criteria provided. Collection method: clinical testing. Allele origin: germline. Not counted in ClinVar's aggregate classification.